The following is an entry in ClinVar:

NM_001166108.2(PALLD):c.2908C>G (p.Pro970Ala)

Genes: CBR4 (carbonyl reductase 4; minus strand), PALLD (palladin, cytoskeletal associated protein; plus strand). Cytogenetic location: 4q32.3.
Variant type: single nucleotide variant.
Coding change: c.2908C>G on transcript NM_001166108.2 (MANE Select); coding-DNA position 2908, C replaced by G.
Protein change: p.Pro970Ala; replaces proline 970 with alanine.
Molecular consequence: missense variant.
Genome position (GRCh38, 1-based): chr4:168,921,591, C>G. VCF-style: chr4-168921591-C-G. GRCh37 (hg19) VCF-style: chr4-169842742-C-G.
Other names: c.1711C>G, p.Pro571Ala (NM_001166109.2); c.1396C>G, p.Pro466Ala (NM_001166110.2); c.736C>G, p.Pro246Ala (NM_001367567.1, NM_001367569.1); c.787C>G, p.Pro263Ala (NM_001367568.1, NM_001367570.1); c.2857C>G, p.Pro953Ala (NM_016081.4); short protein forms P970A, P263A, P466A, P246A, P571A, P953A.
Identifiers: ClinVar variation 3885317 (VCV003885317.1).

ClinVar aggregate classification (germline): Uncertain significance (1 of 4 stars; one submission).

gnomAD v4.1: 1 of 1,609,614 alleles (0.000062%); no homozygotes.

Submission:

Ambry Genetics
Classification: Uncertain significance. Last evaluated: 2025-01-22. Review status: criteria provided, single submitter. Criteria: Ambry Variant Classification Scheme 2023. Collection method: clinical testing. Allele origin: germline.
Comment: The p.P466A variant (also known as c.1396C>G), located in coding exon 8 of the PALLD gene, results from a C to G substitution at nucleotide position 1396. The proline at codon 466 is replaced by alanine, an amino acid with highly similar properties. This amino acid position is conserved. In addition, this alteration is predicted to be tolerated by in silico analysis. Based on the available evidence, the clinical significance of this variant remains unclear.